The following is an entry in ClinVar:

ClinVar aggregate classification (germline): Uncertain significance (1 of 4 stars; one submission).

Conditions:
Kleefstra syndrome 1 (KLEFS1). Identifiers: Orphanet 261494, MedGen C0795833, MONDO:0027407, OMIM 610253.

gnomAD v4.1: 21 of 1,612,884 alleles (0.0013%); highest among the groups gnomAD compares: Non-Finnish European, 0.0018%; no homozygotes.

Submission:

Labcorp Genetics (formerly Invitae), Labcorp
Classification: Uncertain significance for Kleefstra syndrome 1. Last evaluated: 2025-09-15. Review status: criteria provided, single submitter. Criteria: Invitae Variant Classification Sherloc (09022015). Collection method: clinical testing. Allele origin: germline.
Comment: This sequence change replaces aspartic acid, which is acidic and polar, with glutamic acid, which is acidic and polar, at codon 75 of the EHMT1 protein (p.Asp75Glu). This variant is present in population databases (no rsID available, gnomAD 0.007%). This variant has not been reported in the literature in individuals affected with EHMT1-related conditions. ClinVar contains an entry for this variant (Variation ID: 1969699). An algorithm developed to predict the effect of missense changes on protein structure and function outputs the following: PolyPhen-2: "Benign". The glutamic acid amino acid residue is found in multiple mammalian species, which suggests that this missense change does not adversely affect protein function. In summary, the available evidence is currently insufficient to determine the role of this variant in disease. Therefore, it has been classified as a Variant of Uncertain Significance.

NM_024757.5(EHMT1):c.225C>G (p.Asp75Glu)

Gene: EHMT1 (euchromatic histone lysine methyltransferase 1; plus strand). Cytogenetic location: 9q34.3.
Variant type: single nucleotide variant.
Coding change: c.225C>G on transcript NM_024757.5 (MANE Select); coding-DNA position 225, C replaced by G.
Protein change: p.Asp75Glu; replaces aspartic acid 75 with glutamic acid.
Molecular consequence: missense variant.
Genome position (GRCh38, 1-based): chr9:137,716,765, C>G. VCF-style: chr9-137716765-C-G. GRCh37 (hg19) VCF-style: chr9-140611217-C-G.
Other names: c.225C>G, p.Asp75Glu (NM_001145527.2, NM_001354263.2, NM_001354611.2); c.132C>G, p.Asp44Glu (NM_001354259.2, NM_001354612.2); short protein forms D44E, D75E.
Identifiers: ClinVar variation 1969699 (VCV001969699.5), dbSNP rs984124935, ClinGen allele CA375763407.